The following is an entry in ClinVar:

NM_001999.4(FBN2):c.3199G>A (p.Gly1067Arg)

Genes: FBN2 (fibrillin 2; minus strand), LOC126807501 (BRD4-independent group 4 enhancer GRCh37_chr5:127680731-127681930; plus strand). Cytogenetic location: 5q23.3.
Variant type: single nucleotide variant.
Coding change: c.3199G>A on transcript NM_001999.4 (MANE Select); coding-DNA position 3199, G replaced by A.
Protein change: p.Gly1067Arg; replaces glycine 1067 with arginine.
Molecular consequence: missense variant.
Genome position (GRCh38, 1-based): chr5:128,345,375, C>T on the plus strand (G>A on the coding strand, the complement: FBN2 is on the minus strand). VCF-style: chr5-128345375-C-T. GRCh37 (hg19) VCF-style: chr5-127681067-C-T.
Other names: short protein forms G1067R.
Identifiers: ClinVar variation 3676070 (VCV003676070.2).
Genomic context (GRCh38, chr5:128,345,375, plus strand): 5'-TGTTGGTGAAGAAGGACCAAGGCGCTGGCCGCAGGCAGTTACCTTTGTAAAATGGCCGCC[C>T]AGTAAGAACATCCCCTCGGTTAGCAAAGCCAGCCCCGCGGGGGCACAGCGTCTCGTATTC-3'
Protein context (NP_001990.2, residues 1057-1077): GFANRGDVLT[Gly1067Arg]RPFYKDINEC

ClinVar aggregate classification (germline): Uncertain significance (1 of 4 stars; one submission).

Conditions:
Congenital contractural arachnodactyly (CCA). Also called: BEALS SYNDROME; Beals-Hecht syndrome; Arthrogryposis, distal, type 9. Identifiers: Orphanet 115, MedGen C0220668, MONDO:0007363, OMIM 121050.

gnomAD v4.1: 2 of 1,614,132 alleles (0.00012%); highest among the groups gnomAD compares: East Asian, 0.0045%; no homozygotes.

Submission:

Labcorp Genetics (formerly Invitae), Labcorp
Classification: Uncertain significance for Congenital contractural arachnodactyly. Last evaluated: 2024-03-13. Review status: criteria provided, single submitter. Criteria: Invitae Variant Classification Sherloc (09022015). Collection method: clinical testing. Allele origin: germline.
Comment: This sequence change replaces glycine, which is neutral and non-polar, with arginine, which is basic and polar, at codon 1067 of the FBN2 protein (p.Gly1067Arg). This variant is not present in population databases (gnomAD no frequency). This variant has not been reported in the literature in individuals affected with FBN2-related conditions. Advanced modeling of protein sequence and biophysical properties (such as structural, functional, and spatial information, amino acid conservation, physicochemical variation, residue mobility, and thermodynamic stability) performed at Invitae indicates that this missense variant is expected to disrupt FBN2 protein function with a positive predictive value of 80%. In summary, the available evidence is currently insufficient to determine the role of this variant in disease. Therefore, it has been classified as a Variant of Uncertain Significance.